The following is an entry in ClinVar:

ClinVar aggregate classification (germline): Uncertain significance (1 of 4 stars; one submission).

Conditions:
Multiple congenital anomalies-hypotonia-seizures syndrome 1 (MCAHS1). Also called: PIGN-CDG; Congenital disorder of glycosylation due to PIGN deficiency; GLYCOSYLPHOSPHATIDYLINOSITOL BIOSYNTHESIS DEFECT 3. Identifiers: Orphanet 280633, MedGen C3279775, MONDO:0013563, OMIM 614080.

Submission:

MGZ Medical Genetics Center
Classification: Uncertain significance for Multiple congenital anomalies-hypotonia-seizures syndrome 1. Last evaluated: 2021-10-22. Review status: criteria provided, single submitter. Criteria: ACMG Guidelines, 2015. Collection method: clinical testing. Allele origin: germline. Affected: yes. Observed: 1 variant allele.
Comment: ACMG criteria applied: PM2_SUP, PM3_SUP, PP3

NM_176787.5(PIGN):c.310G>A (p.Gly104Arg)

Gene: PIGN (phosphatidylinositol glycan anchor biosynthesis class N; minus strand). Cytogenetic location: 18q21.33.
Variant type: single nucleotide variant.
Coding change: c.310G>A on transcript NM_176787.5 (MANE Select); coding-DNA position 310, G replaced by A.
Protein change: p.Gly104Arg; replaces glycine 104 with arginine.
Molecular consequence: missense variant.
Genome position (GRCh38, 1-based): chr18:62,157,720, C>T on the plus strand (G>A on the coding strand, the complement: PIGN is on the minus strand). VCF-style: chr18-62157720-C-T. GRCh37 (hg19) VCF-style: chr18-59824953-C-T.
Other names: c.310G>A, p.Gly104Arg (NM_012327.6); short protein forms G104R.
Identifiers: ClinVar variation 1710075 (VCV001710075.1), dbSNP rs1555696900, ClinGen allele CA402603663.